The following is an entry in ClinVar:

NM_000521.4(HEXB):c.1586_1589del (p.Leu529fs)

Gene: HEXB (hexosaminidase subunit beta; plus strand). Cytogenetic location: 5q13.3.
Variant type: Deletion.
Coding change: c.1586_1589del on transcript NM_000521.4 (MANE Select); coding-DNA positions 1586 to 1589, 4 bases deleted (TGAC; older notation c.1586_1589delTGAC).
Protein change: p.Leu529fs; shifts the reading frame from leucine 529.
Molecular consequence: frameshift variant.
Genome position (GRCh38, 1-based): chr5:74,720,720-74,720,723, TGAC deleted; deleting any 4 consecutive bases within chr5:74,720,717-74,720,723 gives the same sequence; the c. name uses the placement nearest the transcript's 3' end. VCF-style (leftmost placement, unchanged base first): chr5-74720716-AGACT-A. GRCh37 (hg19) VCF-style: chr5-74016541-AGACT-A.
Other names: c.911_914del, p.Leu304fs (NM_001292004.2); short protein forms L304fs, L529fs.
Identifiers: ClinVar variation 1074772 (VCV001074772.9), dbSNP rs2112186316, ClinGen allele CA2499217898.

ClinVar aggregate classification (germline): Pathogenic (1 of 4 stars; one submission).

Conditions:
Sandhoff disease. Also called: GM2-GANGLIOSIDOSIS, TYPE II; HEXOSAMINIDASES A AND B DEFICIENCY; Beta-hexosaminidase-beta-subunit deficiency; GM2 gangliosidosis, type 2; Total hexosaminidase deficiency; Sandhoff-Jatzkewitz-Pilz disease. Identifiers: Orphanet 796, MedGen C0036161, MONDO:0010006, OMIM 268800.

Submission:

Labcorp Genetics (formerly Invitae), Labcorp
Classification: Pathogenic for Sandhoff disease. Last evaluated: 2024-01-30. Review status: criteria provided, single submitter. Criteria: Invitae Variant Classification Sherloc (09022015). Collection method: clinical testing. Allele origin: germline.
Comment: This sequence change creates a premature translational stop signal (p.Leu529Glnfs*12) in the HEXB gene. While this is not anticipated to result in nonsense mediated decay, it is expected to disrupt the last 28 amino acid(s) of the HEXB protein. This variant is not present in population databases (gnomAD no frequency). This variant has not been reported in the literature in individuals affected with HEXB-related conditions. ClinVar contains an entry for this variant (Variation ID: 1074772). This variant disrupts a region of the HEXB protein in which other variant(s) (p.Cys534*) have been determined to be pathogenic (PMID: 29448188, 30075786). This suggests that this is a clinically significant region of the protein, and that variants that disrupt it are likely to be disease-causing. For these reasons, this variant has been classified as Pathogenic.

Literature cited by the submitters: PubMed 29448188; PubMed 30075786.